The following is an entry in ClinVar:

ClinVar aggregate classification (germline): Uncertain significance (1 of 4 stars; one submission).

Conditions:
Kennedy disease (SMAX1). Also called: SPINAL AND BULBAR MUSCULAR ATROPHY, X-LINKED 1; KENNEDY SPINAL AND BULBAR MUSCULAR ATROPHY; Spinal and Bulbar Muscular Atrophy. Identifiers: Orphanet 481, MedGen C1839259, MONDO:0010735, OMIM 313200.
Androgen resistance syndrome (AIS). Also called: DHTR DEFICIENCY; DIHYDROTESTOSTERONE RECEPTOR DEFICIENCY; ANDROGEN RECEPTOR DEFICIENCY; TESTICULAR FEMINIZATION SYNDROME; Androgen insensitivity syndrome; Androgen insensitivity. Identifiers: Orphanet 754, Orphanet 99429, MedGen C0039585, MONDO:0019154, OMIM 300068. Disease mechanism: loss of function.

Submission:

Labcorp Genetics (formerly Invitae), Labcorp
Classification: Uncertain significance for Kennedy disease; Androgen resistance syndrome. Last evaluated: 2023-10-22. Review status: criteria provided, single submitter. Criteria: Invitae Variant Classification Sherloc (09022015). Collection method: clinical testing. Allele origin: germline.
Comment: This sequence change replaces leucine, which is neutral and non-polar, with serine, which is neutral and polar, at codon 729 of the AR protein (p.Leu729Ser). This variant is not present in population databases (gnomAD no frequency). This missense change has been observed in individual(s) with clinical features of AR-related conditions (PMID: 1430233). This variant is also known as L726S. Advanced modeling of protein sequence and biophysical properties (such as structural, functional, and spatial information, amino acid conservation, physicochemical variation, residue mobility, and thermodynamic stability) has been performed at Invitae for this missense variant, however the output from this modeling did not meet the statistical confidence thresholds required to predict the impact of this variant on AR protein function. In summary, the available evidence is currently insufficient to determine the role of this variant in disease. Therefore, it has been classified as a Variant of Uncertain Significance.

Literature cited by the submitters: PubMed 1430233.

NM_000044.6(AR):c.2186T>C (p.Leu729Ser)

Gene: AR (androgen receptor; plus strand). Cytogenetic location: Xq12.
Variant type: single nucleotide variant.
Coding change: c.2186T>C on transcript NM_000044.6 (MANE Select); coding-DNA position 2186, T replaced by C.
Protein change: p.Leu729Ser; replaces leucine 729 with serine.
Molecular consequence: missense variant.
Genome position (GRCh38, 1-based): chrX:67,717,490, T>C. VCF-style: chrX-67717490-T-C. GRCh37 (hg19) VCF-style: chrX-66937332-T-C.
Other names: c.590T>C, p.Leu197Ser (NM_001011645.3); c.2189T>C, p.Leu730Ser (NM_001424175.1); short protein forms L730S, L197S, L729S.
Identifiers: ClinVar variation 2925678 (VCV002925678.3), dbSNP rs2519835298, ClinGen allele CA413424313.